The following is an entry in ClinVar:

NM_000169.3(GLA):c.515G>C (p.Cys172Ser)

Genes: GLA (galactosidase alpha; minus strand), RPL36A-HNRNPH2 (RPL36A-HNRNPH2 readthrough; plus strand). Cytogenetic location: Xq22.1.
Variant type: single nucleotide variant.
Coding change: c.515G>C on transcript NM_000169.3 (MANE Select); coding-DNA position 515, G replaced by C.
Protein change: p.Cys172Ser; replaces cysteine 172 with serine.
Molecular consequence: missense variant. On other transcripts: non-coding transcript variant (3), intron variant (2).
Genome position (GRCh38, 1-based): chrX:101,401,664, C>G on the plus strand (G>C on the coding strand, the complement: GLA is on the minus strand). VCF-style: chrX-101401664-C-G. GRCh37 (hg19) VCF-style: chrX-100656652-C-G.
Other names: c.638G>C, p.Cys213Ser (NM_001406747.1, NM_001406749.1); c.515G>C, p.Cys172Ser (NM_001406748.1); c.300+6207C>G (NM_001199973.2); c.177+9842C>G (NM_001199974.2); short protein forms C172S, C213S.
Identifiers: ClinVar variation 4087407 (VCV004087407.2).

ClinVar aggregate classification (germline): Likely pathogenic (1 of 4 stars; one submission).

Conditions:
Fabry disease. Also called: ALPHA-GALACTOSIDASE A DEFICIENCY; ANDERSON-FABRY DISEASE; CERAMIDE TRIHEXOSIDASE DEFICIENCY; GLA DEFICIENCY; HEREDITARY DYSTOPIC LIPIDOSIS; Angiokeratoma corporis diffusum. Identifiers: Orphanet 324, MedGen C0002986, MONDO:0010526, OMIM 301500, HP:0001071. Disease mechanism: Fabry disease is due to inactivating mutations in the X-linked GLA gene resulting in deficiency of the enzyme Alpha Galactosidase-A., loss of function.

Submission:

Genomenon, Inc
Classification: Likely pathogenic for Fabry disease. Last evaluated: 2026-09-08. Review status: criteria provided, single submitter. Criteria: Genomenon Sequence Variant Interpretation Standards - Updated. Collection method: curation. Allele origin: germline. Affected: no.
Comment: GLA p.Cys172Ser (c.515G>C) is a missense variant that changes the amino acid at codon 172 from Cysteine to Serine. To our knowledge, this variant has not been reported in patients affected with Fabry disease in the published literature. At least one functional study has demonstrated a substantial alteration in protein function relative to the wild-type (PMID:27657681). This variant is located in a mutational hotspot and/or important functional domain. It is absent or not present at a significant frequency in gnomAD. In silico models predict that this variant is possibly or probably damaging. In conclusion, we classify GLA p.Cys172Ser (c.515G>C) as a likely pathogenic variant.

Literature cited by the submitters: PubMed 27657681.